The following is an entry in ClinVar:

NM_001384474.1(LOXHD1):c.5437dup (p.Ile1813fs)

Gene: LOXHD1 (lipoxygenase homology PLAT domains 1; minus strand). Cytogenetic location: 18q21.1.
Variant type: Duplication.
Coding change: c.5437dup on transcript NM_001384474.1 (MANE Select); coding-DNA position 5437, one base duplicated (A; older notation c.5437dupA).
Protein change: p.Ile1813fs; shifts the reading frame from isoleucine 1813.
Molecular consequence: frameshift variant.
Genome position (GRCh38, 1-based): chr18:46,509,778, T duplicated on the plus strand (A on the coding strand, the reverse complement: LOXHD1 is on the minus strand). VCF-style (leftmost placement, unchanged base first): chr18-46509777-A-AT. GRCh37 (hg19) VCF-style: chr18-44089740-A-AT.
Other names: c.2104dup, p.Ile702fs (NM_001145472.3); c.154dup, p.Ile52fs (NM_001145473.3, NM_001173129.2); c.1816dup, p.Ile606fs (NM_001308013.2); c.5251dup, p.Ile1751fs (NM_144612.7); short protein forms I1813fs, I52fs, I606fs, I1751fs, I702fs.
Identifiers: ClinVar variation 1370392 (VCV001370392.6), dbSNP rs2143957245, ClinGen allele CA2573155281.

ClinVar aggregate classification (germline): Pathogenic (1 of 4 stars; one submission).

Submission:

Labcorp Genetics (formerly Invitae), Labcorp
Classification: Pathogenic. Last evaluated: 2022-06-27. Review status: criteria provided, single submitter. Criteria: Invitae Variant Classification Sherloc (09022015). Collection method: clinical testing. Allele origin: germline.
Comment: For these reasons, this variant has been classified as Pathogenic. This variant has not been reported in the literature in individuals affected with LOXHD1-related conditions. This variant is not present in population databases (gnomAD no frequency). This sequence change creates a premature translational stop signal (p.Ile1751Asnfs*15) in the LOXHD1 gene. It is expected to result in an absent or disrupted protein product. Loss-of-function variants in LOXHD1 are known to be pathogenic (PMID: 19732867, 21465660, 25792669).

Literature cited by the submitters: PubMed 19732867; PubMed 21465660; PubMed 25792669.